The following is an entry in ClinVar:

ClinVar aggregate classification (germline): Uncertain significance (1 of 4 stars; one submission).

Conditions:
Cardiovascular phenotype. Identifiers: MedGen CN230736.

gnomAD v4.1: 7 of 1,613,932 alleles (0.00043%); highest among the groups gnomAD compares: Non-Finnish European, 0.00059%; no homozygotes.

Submission:

Ambry Genetics
Classification: Uncertain significance for Cardiovascular phenotype. Last evaluated: 2025-04-23. Review status: criteria provided, single submitter. Criteria: Ambry Variant Classification Scheme 2023. Collection method: clinical testing. Allele origin: germline.
Comment: The p.I122M variant (also known as c.366C>G), located in coding exon 3 of the LCAT gene, results from a C to G substitution at nucleotide position 366. The isoleucine at codon 122 is replaced by methionine, an amino acid with highly similar properties. This amino acid position is conserved. In addition, the in silico prediction for this alteration is inconclusive. Based on the available evidence, the clinical significance of this variant remains unclear.

NM_000229.2(LCAT):c.366C>G (p.Ile122Met)

Gene: LCAT (lecithin-cholesterol acyltransferase; minus strand). Cytogenetic location: 16q22.1.
Variant type: single nucleotide variant.
Coding change: c.366C>G on transcript NM_000229.2 (MANE Select); coding-DNA position 366, C replaced by G.
Protein change: p.Ile122Met; replaces isoleucine 122 with methionine.
Molecular consequence: missense variant.
Genome position (GRCh38, 1-based): chr16:67,942,922, G>C on the plus strand (C>G on the coding strand, the complement: LCAT is on the minus strand). VCF-style: chr16-67942922-G-C. GRCh37 (hg19) VCF-style: chr16-67976825-G-C.
Other names: short protein forms I122M.
Identifiers: ClinVar variation 4046470 (VCV004046470.1).